The following is an entry in ClinVar:

ClinVar aggregate classification (germline): Conflicting classifications of pathogenicity. Review status: criteria provided, conflicting classifications (1 of 4 stars). 3 submissions from 3 submitters: Uncertain significance (2); Likely benign (1). Last evaluated 2026-08-10.

Conditions:
Intellectual disability. Also called: Intellectual developmental disorder; Intellectual functioning disability; intellectual disabilities. Identifiers: MedGen C3714756, MeSH D008607, MONDO:0001071, HP:0001249.
OFD1-related disorder. Also called: OFD1-related condition.
Joubert syndrome. Also called: Familial aplasia of the vermis; JOUBERT-BOLTSHAUSER SYNDROME. Identifiers: Orphanet 475, MedGen C5979921, MONDO:0018772.
Orofaciodigital syndrome I (OFD1). Also called: Papillon-Leage and Psaume Syndrome; OFDS I; Oral-Facial-Digital Syndrome Type I. Identifiers: Orphanet 2750, MedGen C1510460, MONDO:0010702, OMIM 311200.

Allele frequency attached by ClinVar (database versions not stated): gnomAD 0.00001; TOPMed 0.00001; gnomAD exomes 0.00003 and 0.00004; ExAC 0.00005.
gnomAD v4.1: 42 of 1,210,190 alleles (0.0035%); highest among the groups gnomAD compares: Non-Finnish European, 0.0046%; no homozygotes.

Submissions (3):

PreventionGenetics, part of Exact Sciences
Classification: Uncertain significance for OFD1-related condition. Last evaluated: 2026-08-10. Review status: criteria provided, single submitter. Criteria: ACMG Guidelines, 2015. Collection method: clinical testing. Allele origin: germline.
Comment: The OFD1 c.1699G>A variant is predicted to result in the amino acid substitution p.Asp567Asn. To our knowledge, this variant has not been reported in the literature. This variant is reported in 0.0061% of alleles in individuals of European (Non-Finnish) descent in gnomAD. At this time, the clinical significance of this variant is uncertain due to the absence of conclusive functional and genetic evidence.

Labcorp Genetics (formerly Invitae), Labcorp
Classification: Uncertain significance for Orofaciodigital syndrome I; Joubert syndrome. Last evaluated: 2022-08-16. Review status: criteria provided, single submitter. Criteria: Invitae Variant Classification Sherloc (09022015). Collection method: clinical testing. Allele origin: germline.
Comment: In summary, the available evidence is currently insufficient to determine the role of this variant in disease. Therefore, it has been classified as a Variant of Uncertain Significance. Algorithms developed to predict the effect of missense changes on protein structure and function output the following: SIFT: "Tolerated"; PolyPhen-2: "Benign"; Align-GVGD: "Class C0". The asparagine amino acid residue is found in multiple mammalian species, which suggests that this missense change does not adversely affect protein function. ClinVar contains an entry for this variant (Variation ID: 1359033). This variant has not been reported in the literature in individuals affected with OFD1-related conditions. This variant is present in population databases (rs760663674, gnomAD 0.006%). This sequence change replaces aspartic acid, which is acidic and polar, with asparagine, which is neutral and polar, at codon 567 of the OFD1 protein (p.Asp567Asn).

Cambridge Genomics Laboratory, East Genomic Laboratory Hub, NHS Genomic Medicine Service
Classification: Likely benign for Intellectual disability. Last evaluated: 2020-03-09. Review status: criteria provided, single submitter. Criteria: ACGS Best Practice Guidelines for Variant Classification in Rare Disease 2020. Collection method: clinical testing. Allele origin: germline. Affected: yes. Observed: 1 variant allele.

NM_003611.3(OFD1):c.1699G>A (p.Asp567Asn)

Gene: OFD1 (OFD1 centriole and centriolar satellite protein; plus strand). Cytogenetic location: Xp22.2.
Variant type: single nucleotide variant.
Coding change: c.1699G>A on transcript NM_003611.3 (MANE Select); coding-DNA position 1699, G replaced by A.
Protein change: p.Asp567Asn; replaces aspartic acid 567 with asparagine.
Molecular consequence: missense variant.
Genome position (GRCh38, 1-based): chrX:13,760,159, G>A. VCF-style: chrX-13760159-G-A. GRCh37 (hg19) VCF-style: chrX-13778278-G-A.
Other names: c.1699G>A (NM_003611.2); c.1579G>A, p.Asp527Asn (NM_001330209.2); c.1279G>A, p.Asp427Asn (NM_001330210.2); short protein forms D567N, D527N, D427N.
Identifiers: ClinVar variation 1359033 (VCV001359033.10), dbSNP rs760663674, ClinGen allele CA10351879.
Genomic context (GRCh38, chrX:13,760,159, plus strand): 5'-TTTTTGTACCCTGCAGCCCTAGAGAATGAAGTGTACTGCAATCCAAAGCAGTCTGTGATC[G>A]ATCGTTCTGTCAATGGATTAATAAATGGCAATGTGGTGCCTTGCAATGGTGAGATAAGTG-3'
Protein context (NP_003602.1, residues 557-577): VYCNPKQSVI[Asp567Asn]RSVNGLINGN